The following is an entry in ClinVar:

NC_000011.10:g.(?_93784504)_(93812074_?)del

Gene: MED17 (mediator complex subunit 17; plus strand). Cytogenetic location: 11q21.
Variant type: Deletion.
Identifiers: ClinVar variation 830643 (VCV000830643.4).

ClinVar aggregate classification (germline): Pathogenic (1 of 4 stars; one submission).

Submission:

Labcorp Genetics (formerly Invitae), Labcorp
Classification: Pathogenic. Last evaluated: 2021-10-02. Review status: criteria provided, single submitter. Criteria: Invitae Variant Classification Sherloc (09022015). Collection method: clinical testing. Allele origin: germline.
Comment: A gross deletion of the genomic region encompassing the full coding sequence of the MED17 gene has been identified. Loss-of-function variants in MED17 are known to be pathogenic (PMID: 20950787, 26004231, 30345598). The boundaries of this event are unknown as they extend beyond the assayed region for this gene and therefore may encompass additional genes. This variant has not been reported in the literature in individuals with MED17-related conditions. For these reasons, this variant has been classified as Pathogenic.

Literature cited by the submitters: PubMed 20950787; PubMed 26004231; PubMed 30345598.